The following is an entry in ClinVar:

ClinVar aggregate classification (germline): Likely benign. Review status: criteria provided, multiple submitters, no conflicts (2 of 4 stars). 2 submissions from 2 submitters: Likely benign (2). Last evaluated 2025-02-20.

Conditions:
Breast-ovarian cancer, familial, susceptibility to, 4. Identifiers: Orphanet 145, MedGen C3280345, MONDO:0013669, OMIM 614291.

gnomAD v4.1: 1 of 1,611,218 alleles (0.000062%); no homozygotes.

Submissions (2):

Myriad Genetics, Inc.
Classification: Likely benign for Breast-ovarian cancer, familial, susceptibility to, 4. Last evaluated: 2025-02-20. Review status: criteria provided, single submitter. Criteria: Myriad Autosomal Dominant, Autosomal Recessive and X-Linked Classification Criteria (2023). Collection method: clinical testing. Allele origin: unknown.
Comment: This variant is considered likely benign. This variant is intronic and is not expected to impact mRNA splicing.

Labcorp Genetics (formerly Invitae), Labcorp
Classification: Likely benign for Breast-ovarian cancer, familial, susceptibility to, 4. Last evaluated: 2025-01-17. Review status: criteria provided, single submitter. Criteria: Invitae Variant Classification Sherloc (09022015). Collection method: clinical testing. Allele origin: germline.

NM_002878.4(RAD51D):c.82+7G>T

Genes: RAD51D (RAD51 paralog D; minus strand), RAD51L3-RFFL (RAD51L3-RFFL readthrough; minus strand). Cytogenetic location: 17q12.
Variant type: single nucleotide variant.
Coding change: c.82+7G>T on transcript NM_002878.4 (MANE Select); 7 bases into the intron after coding-DNA position 82, G replaced by T.
Molecular consequence: intron variant.
Genome position (GRCh38, 1-based): chr17:35,119,525, C>A on the plus strand (G>T on the coding strand, the complement: RAD51D is on the minus strand). VCF-style: chr17-35119525-C-A. GRCh37 (hg19) VCF-style: chr17-33446544-C-A.
Other names: c.82+7G>T (NM_133629.3, NM_001142571.2).
Identifiers: ClinVar variation 1541795 (VCV001541795.9), dbSNP rs1567736277, ClinGen allele CA625782591.
Genomic context (GRCh38, chr17:35,119,525, plus strand): 5'-AGCCCTCGGGGCCTGCCCAGGTTGTGCGAGGCCCGCGCGGCTCCCTGGCACGCGCACACC[C>A]GGTCACCTGTCTTGATCCTGTGGCTCCTGAGAAGCTGGATCATCTCCTCGGTAAGGCCAG-3'